The following is an entry in ClinVar:

NM_201384.3(PLEC):c.9301G>A (p.Ala3101Thr)

Gene: PLEC (plectin; minus strand). Cytogenetic location: 8q24.3.
Variant type: single nucleotide variant.
Coding change: c.9301G>A on transcript NM_201384.3 (MANE Select); coding-DNA position 9301, G replaced by A.
Protein change: p.Ala3101Thr; replaces alanine 3101 with threonine.
Molecular consequence: missense variant.
Genome position (GRCh38, 1-based): chr8:143,920,520, C>T on the plus strand (G>A on the coding strand, the complement: PLEC is on the minus strand). VCF-style: chr8-143920520-C-T. GRCh37 (hg19) VCF-style: chr8-144994688-C-T.
Other names: c.9382G>A, p.Ala3128Thr (NM_000445.5); c.9259G>A, p.Ala3087Thr (NM_201378.4); c.9235G>A, p.Ala3079Thr (NM_201379.3); c.9712G>A, p.Ala3238Thr (NM_201380.4); c.9205G>A, p.Ala3069Thr (NM_201381.3); c.9301G>A, p.Ala3101Thr (NM_201382.4); c.9313G>A, p.Ala3105Thr (NM_201383.3); short protein forms A3101T, A3128T, A3238T, A3069T, A3079T, A3105T, A3087T.
Identifiers: ClinVar variation 805218 (VCV000805218.11), dbSNP rs1554682090, ClinGen allele CA372510850.

ClinVar aggregate classification (germline): Uncertain significance. Review status: criteria provided, multiple submitters, no conflicts (2 of 4 stars). 2 submissions from 2 submitters: Uncertain significance (2). Last evaluated 2024-03-12.

Conditions:
Epidermolysis bullosa simplex with nail dystrophy (EBS5D). Identifiers: MedGen C4225309, MONDO:0014661, OMIM 616487.
Epidermolysis bullosa simplex, Ogna type (EBS5A). Also called: Pidermolysis bullosa simplex 5A, Ogna type; EPIDERMOLYSIS BULLOSA SIMPLEX 5A, OGNA TYPE. Identifiers: Orphanet 79401, MedGen C0432317, MONDO:0007555, OMIM 131950.
Epidermolysis bullosa simplex 5C, with pyloric atresia (EBS5C). Also called: PLEC-Related Epidermolysis Bullosa with Pyloric Atresia; PLEC1-Related Epidermolysis Bullosa with Pyloric Atresia; Epidermolysis bullosa simplex with pyloric atresia. Identifiers: Orphanet 158684, MedGen C2677349, MONDO:0012807, OMIM 612138.
Autosomal recessive limb-girdle muscular dystrophy type 2Q (LGMDR17). Also called: MUSCULAR DYSTROPHY, LIMB-GIRDLE, AUTOSOMAL RECESSIVE 17. Identifiers: Orphanet 254361, MedGen C3150989, MONDO:0013390, OMIM 613723.
Epidermolysis bullosa simplex 5B, with muscular dystrophy (EBS5B). Also called: EPIDERMOLYSIS BULLOSA SIMPLEX AND LIMB-GIRDLE MUSCULAR DYSTROPHY; Epidermolysis bullosa simplex with muscular dystrophy. Identifiers: Orphanet 257, MedGen C2931072, MONDO:0009181, OMIM 226670.

Allele frequency attached by ClinVar (database versions not stated): gnomAD exomes below 0.00001 and 0.00001; TOPMed below 0.00001; gnomAD 0.00001.
gnomAD v4.1: 16 of 1,611,068 alleles (0.00099%); highest among the groups gnomAD compares: African/African-American, 0.0027%; no homozygotes.

Submissions (2):

Labcorp Genetics (formerly Invitae), Labcorp
Classification: Uncertain significance for Autosomal recessive limb-girdle muscular dystrophy type 2Q; Epidermolysis bullosa simplex, Ogna type; Epidermolysis bullosa simplex with nail dystrophy; Epidermolysis bullosa simplex 5C, with pyloric atresia; Epidermolysis bullosa simplex 5B, with muscular dystrophy. Last evaluated: 2024-03-12. Review status: criteria provided, single submitter. Criteria: Invitae Variant Classification Sherloc (09022015). Collection method: clinical testing. Allele origin: germline.
Comment: This sequence change replaces alanine, which is neutral and non-polar, with threonine, which is neutral and polar, at codon 3128 of the PLEC protein (p.Ala3128Thr). This variant is present in population databases (no rsID available, gnomAD 0.0009%). This variant has not been reported in the literature in individuals affected with PLEC-related conditions. ClinVar contains an entry for this variant (Variation ID: 805218). An algorithm developed to predict the effect of missense changes on protein structure and function (PolyPhen-2) suggests that this variant is likely to be disruptive. In summary, the available evidence is currently insufficient to determine the role of this variant in disease. Therefore, it has been classified as a Variant of Uncertain Significance.

Athena Diagnostics
Classification: Uncertain significance. Last evaluated: 2018-12-29. Review status: criteria provided, single submitter. Criteria: Athena Diagnostics Criteria. Collection method: clinical testing. Allele origin: germline.